The following is an entry in ClinVar:

NM_007055.4(POLR3A):c.2796C>T (p.Phe932=)

Gene: POLR3A (RNA polymerase III subunit A; minus strand). Cytogenetic location: 10q22.3.
Variant type: single nucleotide variant.
Coding change: c.2796C>T on transcript NM_007055.4 (MANE Select); coding-DNA position 2796, C replaced by T.
Protein change: p.Phe932=; no amino-acid change (phenylalanine 932 retained).
Molecular consequence: synonymous variant.
Genome position (GRCh38, 1-based): chr10:77,991,159, G>A on the plus strand (C>T on the coding strand, the complement: POLR3A is on the minus strand). VCF-style: chr10-77991159-G-A. GRCh37 (hg19) VCF-style: chr10-79750917-G-A.
Identifiers: ClinVar variation 2640623 (VCV002640623.24), dbSNP rs772436840, ClinGen allele CA5571020.

ClinVar aggregate classification (germline): Likely benign (1 of 4 stars; one submission).

Allele frequency attached by ClinVar (database versions not stated): gnomAD exomes below 0.00001; ExAC 0.00001; gnomAD 0.00001.
gnomAD v4.1: 7 of 1,603,122 alleles (0.00044%); highest among the groups gnomAD compares: South Asian, 0.0022%; no homozygotes.

Submission:

CeGaT Center for Human Genetics Tuebingen
Classification: Likely benign. Last evaluated: 2022-10-01. Review status: criteria provided, single submitter. Criteria: CeGaT Center For Human Genetics Tuebingen Variant Classification Criteria Version 2. Collection method: clinical testing. Allele origin: germline. Affected: yes. Observed: 1 variant allele.
Comment: POLR3A: BP4, BP7